The following is an entry in ClinVar:

ClinVar aggregate classification (germline): Pathogenic (1 of 4 stars; one submission).

Conditions:
Granulomatous disease, chronic, autosomal recessive, cytochrome b-negative. Also called: CGD DUE TO DEFICIENCY OF THE ALPHA SUBUNIT OF CYTOCHROME b; CGD, AUTOSOMAL RECESSIVE CYTOCHROME b-NEGATIVE; CYBA DEFICIENCY; GRANULOMATOUS DISEASE, CHRONIC, AUTOSOMAL RECESSIVE, 4; Chronic granulomatous disease, autosomal, due to deficiency of CYBA. Identifiers: Orphanet 379, MedGen C1856255, MONDO:0009308, OMIM 233690.

Submission:

Myriad Genetics, Inc.
Classification: Pathogenic for Granulomatous disease, chronic, autosomal recessive, cytochrome b-negative. Last evaluated: 2024-05-14. Review status: criteria provided, single submitter. Criteria: Myriad Autosomal Dominant, Autosomal Recessive and X-Linked Classification Criteria (2023). Collection method: clinical testing. Allele origin: unknown.
Comment: NM_000101.3(CYBA):c.223delG(A75Pfs*3) is expected to be pathogenic in the context of chronic granulomatous disease, CYBA-related. This variant is predicted to lead to an abnormal or absent protein product due to the creation of a premature termination codon in CYBA, a gene where loss-of-function variants are known to be pathogenic. Please note: this variant was assessed in the context of healthy population screening.

NM_000101.4(CYBA):c.223del (p.Ala75fs)

Gene: CYBA (cytochrome b-245 alpha chain; minus strand). Cytogenetic location: 16q24.2.
Variant type: Deletion.
Coding change: c.223del on transcript NM_000101.4 (MANE Select); coding-DNA position 223, one base deleted (G; older notation c.223delG).
Protein change: p.Ala75fs; shifts the reading frame from alanine 75.
Molecular consequence: frameshift variant.
Genome position (GRCh38, 1-based): chr16:88,646,819, C deleted on the plus strand (G on the coding strand, the reverse complement: CYBA is on the minus strand). VCF-style (leftmost placement, unchanged base first): chr16-88646818-GC-G. GRCh37 (hg19) VCF-style: chr16-88713226-GC-G.
Other names: short protein forms A75fs.
Identifiers: ClinVar variation 5011400 (VCV005011400.1).